The following is an entry in ClinVar:

ClinVar aggregate classification (germline): Pathogenic (1 of 4 stars; one submission).

Submission:

Labcorp Genetics (formerly Invitae), Labcorp
Classification: Pathogenic. Last evaluated: 2025-08-21. Review status: criteria provided, single submitter. Criteria: Invitae Variant Classification Sherloc (09022015). Collection method: clinical testing. Allele origin: germline.
Comment: This sequence change creates a premature translational stop signal (p.Ser9Glnfs*12) in the NSMCE2 gene. It is expected to result in an absent or disrupted protein product. Loss-of-function variants in NSMCE2 are known to be pathogenic (PMID: 25105364, 26443207). This variant is present in population databases (rs768207695, gnomAD 0.005%). This variant has not been reported in the literature in individuals affected with NSMCE2-related conditions. For these reasons, this variant has been classified as Pathogenic.

Literature cited by the submitters: PubMed 25105364; PubMed 26443207.

NM_173685.4(NSMCE2):c.25del (p.Ser9fs)

Gene: NSMCE2 (NSE2 SUMO ligase component of SMC5/6 complex; plus strand). Cytogenetic location: 8q24.13.
Variant type: Deletion.
Coding change: c.25del on transcript NM_173685.4 (MANE Select); coding-DNA position 25, one base deleted (T; older notation c.25delT).
Protein change: p.Ser9fs; shifts the reading frame from serine 9.
Molecular consequence: frameshift variant. On other transcripts: non-coding transcript variant (2).
Genome position (GRCh38, 1-based): chr8:125,102,355, T deleted; the last of 2 consecutive T bases (chr8:125,102,354-125,102,355); deleting either gives the same sequence. VCF-style (leftmost placement, unchanged base first): chr8-125102353-AT-A. GRCh37 (hg19) VCF-style: chr8-126114595-AT-A.
Other names: c.25del, p.Ser9fs (NM_001349485.2, NM_001349486.2, NM_001349487.2); short protein forms S9fs.
Identifiers: ClinVar variation 4748249 (VCV004748249.1).